The following is an entry in ClinVar:

NM_001457.4(FLNB):c.1941+5A>G

Gene: FLNB (filamin B; plus strand). Cytogenetic location: 3p14.3.
Variant type: single nucleotide variant.
Coding change: c.1941+5A>G on transcript NM_001457.4 (MANE Select); 5 bases into the intron after coding-DNA position 1941, A replaced by G.
Molecular consequence: intron variant.
Genome position (GRCh38, 1-based): chr3:58,106,878, A>G. VCF-style: chr3-58106878-A-G. GRCh37 (hg19) VCF-style: chr3-58092605-A-G.
Other names: c.1941+5A>G (NM_001164317.2, NM_001164318.2, NM_001164319.2).
Identifiers: ClinVar variation 3678091 (VCV003678091.2).
Genomic context (GRCh38, chr3:58,106,878, plus strand): 5'-ACAGCCCGTACATGGCCTTCATCCACCCAGCCACGGGAGGCTACAACCCTGATCTGGTGA[A>G]TCAGCTGCTGTGCTTCTGTCTTCTTGTCCCTGGCCCCTGGTTCCTCACCCCCATGCCCGA-3'

ClinVar aggregate classification (germline): Uncertain significance (1 of 4 stars; one submission).

gnomAD v4.1: 2 of 1,612,462 alleles (0.00012%); highest among the groups gnomAD compares: Non-Finnish European, 0.00017%; no homozygotes.

Submission:

Labcorp Genetics (formerly Invitae), Labcorp
Classification: Uncertain significance. Last evaluated: 2025-01-29. Review status: criteria provided, single submitter. Criteria: Invitae Variant Classification Sherloc (09022015). Collection method: clinical testing. Allele origin: germline.
Comment: This sequence change falls in intron 12 of the FLNB gene. It does not directly change the encoded amino acid sequence of the FLNB protein. It affects a nucleotide within the consensus splice site. This variant is not present in population databases (gnomAD no frequency). This variant has not been reported in the literature in individuals affected with FLNB-related conditions. Variants that disrupt the consensus splice site are a relatively common cause of aberrant splicing (PMID: 17576681, 9536098). Algorithms developed to predict the effect of sequence changes on RNA splicing suggest that this variant is not likely to affect RNA splicing. In summary, the available evidence is currently insufficient to determine the role of this variant in disease. Therefore, it has been classified as a Variant of Uncertain Significance.

Literature cited by the submitters: PubMed 17576681; PubMed 9536098.